The following is an entry in ClinVar:

GRCh38/hg38 16p11.2-11.1(chr16:35193545-35492994)x3

Genes: LINC01566 (long intergenic non-protein coding RNA 1566; plus strand), LOC105371200 (uncharacterized LOC105371200; plus strand), LOC112268173 (uncharacterized LOC112268173; plus strand), LOC112441448 (Sharpr-MPRA regulatory region 3600; plus strand). Cytogenetic location: 16p11.2-11.1.
Variant type: copy number gain.
Change: copy number 3 (three copies instead of two) of chr16:35,193,545-35,492,994 (299.4 kb, GRCh38 coordinates, 1-based), cytogenetic band 16p11.2-11.1.
Identifiers: ClinVar variation 145477 (VCV000145477.2).

ClinVar aggregate classification (germline): Benign/Likely benign (0 of 4 stars; one submission).

Submission:

ISCA site 4
Classification: Benign/Likely benign. Last evaluated: 2012-09-21. Review status: no assertion criteria provided. Collection method: clinical testing. Allele origin: unknown. Affected: yes. Observed: 3 variant alleles. Clinical features observed: Global developmental delay (HP:0001263), Failure to thrive (HP:0001508), Developmental delay AND/OR other significant developmental or morphological phenotypes.
Comment: Likely benign (1), Benign (2)

Copy number variation identified through the course of routine clinical cytogenomic testing in postnatal populations, with clinical assertions as classified by the original submitter.